The following is an entry in ClinVar:

NM_021830.5(TWNK):c.198dup (p.His67fs)

Gene: TWNK (twinkle mtDNA helicase; plus strand). Cytogenetic location: 10q24.31.
Variant type: Duplication.
Coding change: c.198dup on transcript NM_021830.5 (MANE Select); coding-DNA position 198, one base duplicated (G; older notation c.198dupG).
Protein change: p.His67fs; shifts the reading frame from histidine 67.
Molecular consequence: frameshift variant. On other transcripts: non-coding transcript variant (4), intron variant (3).
Genome position (GRCh38, 1-based): chr10:100,988,408, G duplicated; the last of 5 consecutive G bases (chr10:100,988,404-100,988,408); duplicating any one gives the same sequence. VCF-style (leftmost placement, unchanged base first): chr10-100988403-C-CG. GRCh37 (hg19) VCF-style: chr10-102748160-C-CG.
Other names: c.198dup, p.His67fs (NM_001163812.2); c.-120+795dup (NM_001163814.2, NM_001163813.2); c.-58+795dup (NM_001368275.1); short protein forms H67fs.
Identifiers: ClinVar variation 422970 (VCV000422970.2), dbSNP rs1554886713, ClinGen allele CA16618921.

ClinVar aggregate classification (germline): Likely pathogenic (1 of 4 stars; one submission).

Submission:

GeneDx
Classification: Likely pathogenic. Last evaluated: 2017-01-16. Review status: criteria provided, single submitter. Criteria: GeneDx Variant Classification (06012015). Collection method: clinical testing. Allele origin: germline. Affected: yes.
Comment: The c.198dupG variant in the C10orf2 gene has not been reported previously as a pathogenic variant nor as a benign variant, to our knowledge. The c.198dupG variant causes a frameshift starting with codon Histidine 67, changes this amino acid to an Alanine residue, and creates a premature Stop codon at position 39 of the new reading frame, denoted p.His67AlafsX39. This variant is predicted to cause loss of normal protein function either through protein truncation or nonsense-mediated mRNA decay. The c.198dupG variant was not observed in approximately 6500 individuals of European and African American ancestry in the NHLBI Exome Sequencing Project, indicating it is not a common benign variant in these populations. We interpret c.198dupG as a likely pathogenic variant.